The following is an entry in ClinVar:

NM_001556.3(IKBKB):c.286A>G (p.Met96Val)

Gene: IKBKB (inhibitor of nuclear factor kappa B kinase subunit beta; plus strand). Cytogenetic location: 8p11.21.
Variant type: single nucleotide variant.
Coding change: c.286A>G on transcript NM_001556.3 (MANE Select); coding-DNA position 286, A replaced by G.
Protein change: p.Met96Val; replaces methionine 96 with valine.
Molecular consequence: missense variant. On other transcripts: non-coding transcript variant (3).
Genome position (GRCh38, 1-based): chr8:42,290,241, A>G. VCF-style: chr8-42290241-A-G. GRCh37 (hg19) VCF-style: chr8-42147759-A-G.
Other names: c.94A>G, p.Met32Val (NM_001190720.3); c.109A>G, p.Met37Val (NM_001242778.2); short protein forms M37V, M96V, M32V.
Identifiers: ClinVar variation 3639825 (VCV003639825.2).

ClinVar aggregate classification (germline): Uncertain significance (1 of 4 stars; one submission).

Conditions:
Severe combined immunodeficiency due to IKK2 deficiency. Also called: Immunodeficiency 15; IMMUNODEFICIENCY 15B. Identifiers: Orphanet 397787, MedGen C4747743, MONDO:0014267, OMIM 615592.

gnomAD v4.1: 2 of 1,613,424 alleles (0.00012%); highest among the groups gnomAD compares: Admixed American, 0.0017%; no homozygotes.

Submission:

Labcorp Genetics (formerly Invitae), Labcorp
Classification: Uncertain significance for Severe combined immunodeficiency due to IKK2 deficiency. Last evaluated: 2024-06-03. Review status: criteria provided, single submitter. Criteria: Invitae Variant Classification Sherloc (09022015). Collection method: clinical testing. Allele origin: germline.
Comment: This sequence change replaces methionine, which is neutral and non-polar, with valine, which is neutral and non-polar, at codon 96 of the IKBKB protein (p.Met96Val). This variant is present in population databases (no rsID available, gnomAD 0.003%). This variant has not been reported in the literature in individuals affected with IKBKB-related conditions. Advanced modeling of protein sequence and biophysical properties (such as structural, functional, and spatial information, amino acid conservation, physicochemical variation, residue mobility, and thermodynamic stability) performed at Invitae indicates that this missense variant is not expected to disrupt IKBKB protein function with a negative predictive value of 95%. In summary, the available evidence is currently insufficient to determine the role of this variant in disease. Therefore, it has been classified as a Variant of Uncertain Significance.